The following is an entry in ClinVar:

NM_024577.4(SH3TC2):c.*5947C>G

Gene: SH3TC2 (SH3 domain and tetratricopeptide repeats 2; minus strand). Cytogenetic location: 5q32.
Variant type: single nucleotide variant.
Coding change: c.*5947C>G on transcript NM_024577.4 (MANE Select); 5947 bases downstream of the stop codon, C replaced by G.
Molecular consequence: 3 prime UTR variant.
Genome position (GRCh38, 1-based): chr5:148,998,764, G>C on the plus strand (C>G on the coding strand, the complement: SH3TC2 is on the minus strand). VCF-style: chr5-148998764-G-C. GRCh37 (hg19) VCF-style: chr5-148378327-G-C.
Identifiers: ClinVar variation 905333 (VCV000905333.4), dbSNP rs143516557, ClinGen allele CA128990969.

ClinVar aggregate classification (germline): Benign/Likely benign. Review status: criteria provided, single submitter (1 of 4 stars). 2 submissions from 1 submitter: Benign (1); Likely benign (1). Last evaluated 2018-01-13.

Conditions:
Susceptibility to mononeuropathy of the median nerve, mild. Also called: CARPAL TUNNEL SYNDROME, SUSCEPTIBILITY TO. Identifiers: MedGen C3150596, MONDO:0013237, OMIM 613353.
Charcot-Marie-Tooth disease type 4C (CMT4C). Also called: CHARCOT-MARIE-TOOTH DISEASE, DEMYELINATING, TYPE 4C; SH3TC2-Related Hereditary Motor and Sensory Neuropathy; Charcot-Marie-Tooth Neuropathy Type 4C (CMT4C); CHARCOT-MARIE-TOOTH DISEASE, DEMYELINATING, AUTOSOMAL RECESSIVE, TYPE 4C; CMT 4C. Identifiers: Orphanet 99949, MedGen C1866636, MONDO:0011113, OMIM 601596.

Allele frequency attached by ClinVar (database versions not stated): gnomAD 0.00288 and 0.00314; TOPMed 0.00301; 1000 Genomes Project 0.00399; 1000 Genomes Project 30x 0.00453.
gnomAD v4.1: 436 of 152,288 alleles (0.29%); highest among the groups gnomAD compares: African/African-American, 1%; 2 homozygotes.

Submissions (2):

Illumina Laboratory Services, Illumina
Classification: Likely benign for Charcot-Marie-Tooth disease type 4C. Last evaluated: 2018-01-13. Review status: criteria provided, single submitter. Criteria: ICSL Variant Classification Criteria 13 December 2019. Collection method: clinical testing. Allele origin: germline.
Comment: This variant was observed in the ICSL laboratory as part of a predisposition screen in an ostensibly healthy population. It had not been previously curated by ICSL or reported in the Human Gene Mutation Database (HGMD: prior to June 1st, 2018), and was therefore a candidate for classification through an automated scoring system. Utilizing variant allele frequency, disease prevalence and penetrance estimates, and inheritance mode, an automated score was calculated to assess if this variant is too frequent to cause the disease. Based on the score and internal cut-off values, a variant classified as likely benign is not then subjected to further curation. The score for this variant resulted in a classification of likely benign for this disease.

Illumina Laboratory Services, Illumina
Classification: Benign for Susceptibility to mononeuropathy of the median nerve, mild. Last evaluated: 2018-01-13. Review status: criteria provided, single submitter. Criteria: ICSL Variant Classification Criteria 13 December 2019. Collection method: clinical testing. Allele origin: germline.
Comment: This variant was observed in the ICSL laboratory as part of a predisposition screen in an ostensibly healthy population. It had not been previously curated by ICSL or reported in the Human Gene Mutation Database (HGMD: prior to June 1st, 2018), and was therefore a candidate for classification through an automated scoring system. Utilizing variant allele frequency, disease prevalence and penetrance estimates, and inheritance mode, an automated score was calculated to assess if this variant is too frequent to cause the disease. Based on the score and internal cut-off values, a variant classified as benign is not then subjected to further curation. The score for this variant resulted in a classification of benign for this disease.